The following is an entry in ClinVar:

ClinVar aggregate classification (germline): Likely benign. Review status: criteria provided, multiple submitters, no conflicts (2 of 4 stars). 7 submissions from 7 submitters: Likely benign (7). Last evaluated 2026-09-01.

Conditions:
Familial thoracic aortic aneurysm and aortic dissection (TAAD). Also called: Thoracic aortic aneurysms and dissections. Identifiers: Orphanet 91387, MedGen C4707243, MONDO:0019625.
Aortic aneurysm, familial thoracic 4 (AAT4). Also called: AORTIC ANEURYSM/AORTIC DISSECTION AND PATENT DUCTUS ARTERIOSUS. Identifiers: MedGen C1851504, MONDO:0007568, OMIM 132900.

Allele frequency attached by ClinVar (database versions not stated): ExAC 0.00002; gnomAD 0.00002; gnomAD exomes 0.00002 and 0.00006; TOPMed 0.00003.
gnomAD v4.1: 27 of 1,613,544 alleles (0.0017%); highest among the groups gnomAD compares: Admixed American, 0.018%; no homozygotes.

Submissions (7):

CeGaT Center for Human Genetics Tuebingen
Classification: Likely benign. Last evaluated: 2026-09-01. Review status: criteria provided, single submitter. Criteria: CeGaT Center For Human Genetics Tuebingen Variant Classification Criteria Version 2. Collection method: clinical testing. Allele origin: germline. Affected: yes. Observed: 4 variant alleles.
Comment: MYH11: BP4, BP7

Labcorp Genetics (formerly Invitae), Labcorp
Classification: Likely benign for Aortic aneurysm, familial thoracic 4. Last evaluated: 2025-05-23. Review status: criteria provided, single submitter. Criteria: Invitae Variant Classification Sherloc (09022015). Collection method: clinical testing. Allele origin: germline.

All of Us Research Program, National Institutes of Health
Classification: Likely benign for Familial thoracic aortic aneurysm and aortic dissection. Last evaluated: 2023-11-28. Review status: criteria provided, single submitter. Criteria: ACMG Guidelines, 2015. Collection method: clinical testing. Allele origin: germline. Inheritance: Autosomal dominant inheritance. Observed: 5 variant alleles, 5 heterozygotes.
Comment: This study involves interpretation of variants in research participants for the purpose of population health screening. Participant phenotype was not available at the time of variant classification. Additional details can be found in publication PMID: 35346344, PMCID: PMC8962531

Blueprint Genetics
Classification: Likely benign. Last evaluated: 2023-11-28. Review status: criteria provided, single submitter. Criteria: ACMG Guidelines, 2015. Collection method: clinical testing. Allele origin: germline.

Color Diagnostics, LLC DBA Color Health
Classification: Likely benign for Familial thoracic aortic aneurysm and aortic dissection. Last evaluated: 2022-11-06. Review status: criteria provided, single submitter. Criteria: ACMG Guidelines, 2015. Collection method: clinical testing. Allele origin: germline.

GeneDx
Classification: Likely benign. Last evaluated: 2020-09-23. Review status: criteria provided, single submitter. Criteria: GeneDx Variant Classification Process June 2021. Collection method: clinical testing. Allele origin: germline. Affected: yes.

Ambry Genetics
Classification: Likely benign for Familial thoracic aortic aneurysm and aortic dissection. Last evaluated: 2020-06-25. Review status: criteria provided, single submitter. Criteria: Ambry Variant Classification Scheme 2023. Collection method: clinical testing. Allele origin: germline.

NM_002474.3(MYH11):c.5166G>A (p.Ser1722=)

Genes: MYH11 (myosin heavy chain 11; minus strand), NDE1 (nudE neurodevelopment protein 1; plus strand). Cytogenetic location: 16p13.11.
Variant type: single nucleotide variant.
Coding change: c.5166G>A on transcript NM_002474.3 (MANE Select); coding-DNA position 5166, G replaced by A.
Protein change: p.Ser1722=; no amino-acid change (serine 1722 retained).
Molecular consequence: synonymous variant. On other transcripts: intron variant (2).
Genome position (GRCh38, 1-based): chr16:15,719,225, C>T on the plus strand (G>A on the coding strand, the complement: MYH11 is on the minus strand). VCF-style: chr16-15719225-C-T. GRCh37 (hg19) VCF-style: chr16-15813082-C-T.
Other names: c.5187G>A, p.Ser1729= (NM_001040113.2, NM_001040114.2); c.5166G>A, p.Ser1722= (NM_022844.3); c.948-4966C>T (NM_001143979.2, NM_017668.3).
Identifiers: ClinVar variation 701072 (VCV000701072.21), dbSNP rs746491351, ClinGen allele CA7921400.